The following is an entry in ClinVar:

ClinVar aggregate classification (germline): Pathogenic/Likely pathogenic. Review status: criteria provided, multiple submitters, no conflicts (2 of 4 stars). 2 submissions from 2 submitters: Pathogenic (1); Likely pathogenic (1). Last evaluated 2025-03-19.

Conditions:
SZT2-related disorder. Also called: SZT2-related condition.

gnomAD v4.1: 2 of 1,614,116 alleles (0.00012%); highest among the groups gnomAD compares: Non-Finnish European, 0.00017%; no homozygotes.

Submissions (2):

Labcorp Genetics (formerly Invitae), Labcorp
Classification: Pathogenic. Last evaluated: 2025-03-19. Review status: criteria provided, single submitter. Criteria: Invitae Variant Classification Sherloc (09022015). Collection method: clinical testing. Allele origin: germline.
Comment: This sequence change creates a premature translational stop signal (p.Arg28*) in the SZT2 gene. It is expected to result in an absent or disrupted protein product. Loss-of-function variants in SZT2 are known to be pathogenic (PMID: 23932106, 27248490, 28556953). This variant is not present in population databases (gnomAD no frequency). This premature translational stop signal has been observed in individual(s) with SZT2-related conditions (PMID: 33681650). ClinVar contains an entry for this variant (Variation ID: 1409683). For these reasons, this variant has been classified as Pathogenic.

Blueprint Genetics
Classification: Likely pathogenic for SZT2-related disorders. Last evaluated: 2020-01-17. Review status: criteria provided, single submitter. Criteria: ACMG Guidelines, 2015. Collection method: clinical testing. Allele origin: germline. Affected: yes. Observed: 1 variant allele.

Literature cited by the submitters: PubMed 23932106 (cited by Labcorp Genetics (formerly Invitae), Labcorp); PubMed 27248490 (cited by Labcorp Genetics (formerly Invitae), Labcorp); PubMed 28556953 (cited by Labcorp Genetics (formerly Invitae), Labcorp); PubMed 33681650 (cited by Labcorp Genetics (formerly Invitae), Labcorp).

NM_001365999.1(SZT2):c.82C>T (p.Arg28Ter)

Gene: SZT2 (SZT2 subunit of KICSTOR complex; plus strand). Cytogenetic location: 1p34.2.
Variant type: single nucleotide variant.
Coding change: c.82C>T on transcript NM_001365999.1 (MANE Select); coding-DNA position 82, C replaced by T.
Protein change: p.Arg28Ter; replaces arginine 28 with a stop codon.
Molecular consequence: nonsense.
Genome position (GRCh38, 1-based): chr1:43,403,231, C>T. VCF-style: chr1-43403231-C-T. GRCh37 (hg19) VCF-style: chr1-43868902-C-T.
Other names: c.82C>T, p.Arg28Ter (NM_015284.4); short protein forms R28*.
Identifiers: ClinVar variation 1409683 (VCV001409683.7), dbSNP rs776627066, ClinGen allele CA339994425.